The following is an entry in ClinVar:

ClinVar aggregate classification (germline): Uncertain significance (1 of 4 stars; one submission).

Conditions:
Kabuki syndrome 1 (KABUK1). Also called: KMT2D-Related Kabuki Syndrome. Identifiers: Orphanet 2322, MedGen CN030661, MONDO:0007843, OMIM 147920.

Submission:

Neuberg Centre For Genomic Medicine, NCGM
Classification: Uncertain significance for Kabuki syndrome 1. Review status: criteria provided, single submitter. Criteria: ACMG Guidelines, 2015. Collection method: clinical testing. Allele origin: germline. Inheritance: Autosomal dominant inheritance. Affected: yes.
Comment: The missense c.11537G>Cp.Gly3846Ala variant in KMT2D gene has not been reported previously as a pathogenic variant nor as a benign variant, to our knowledge. The p.Gly3846Ala variant is novel not in any individuals in gnomAD Exomes and 1000 Genomes. This variant has not been reported to the ClinVar database. The amino acid change p.Gly3846Ala in KMT2D is predicted as conserved by GERP++ and PhyloP across 100 vertebrates. The amino acid Gly at position 3846 is changed to a Ala changing protein sequence and it might alter its composition and physico-chemical properties. For these reasons, this variant has been classified as Variant of Uncertain Significance VUS.

NM_003482.4(KMT2D):c.11537G>C (p.Gly3846Ala)

Gene: KMT2D (lysine methyltransferase 2D; minus strand). Cytogenetic location: 12q13.12.
Variant type: single nucleotide variant.
Coding change: c.11537G>C on transcript NM_003482.4 (MANE Select); coding-DNA position 11537, G replaced by C.
Protein change: p.Gly3846Ala; replaces glycine 3846 with alanine.
Molecular consequence: missense variant.
Genome position (GRCh38, 1-based): chr12:49,033,168, C>G on the plus strand (G>C on the coding strand, the complement: KMT2D is on the minus strand). VCF-style: chr12-49033168-C-G. GRCh37 (hg19) VCF-style: chr12-49426951-C-G.
Other names: short protein forms G3846A.
Identifiers: ClinVar variation 3234900 (VCV003234900.1), dbSNP rs1565777980, ClinGen allele CA384717823.